The following is an entry in ClinVar:

NM_152424.4(AMER1):c.1072C>T (p.Arg358Ter)

Gene: AMER1 (APC membrane recruitment protein 1; minus strand). Cytogenetic location: Xq11.2.
Variant type: single nucleotide variant.
Coding change: c.1072C>T on transcript NM_152424.4 (MANE Select); coding-DNA position 1072, C replaced by T.
Protein change: p.Arg358Ter; replaces arginine 358 with a stop codon.
Molecular consequence: nonsense.
Genome position (GRCh38, 1-based): chrX:64,192,215, G>A on the plus strand (C>T on the coding strand, the complement: AMER1 is on the minus strand). VCF-style: chrX-64192215-G-A. GRCh37 (hg19) VCF-style: chrX-63412095-G-A.
Other names: short protein forms R358*.
Identifiers: ClinVar variation 10708 (VCV000010708.16), dbSNP rs137852217, ClinGen allele CA121149.

ClinVar aggregate classification (germline): Pathogenic. Review status: criteria provided, multiple submitters, no conflicts (2 of 4 stars). 6 submissions from 6 submitters: Pathogenic (5). 1 of the submissions does not count toward it. Last evaluated 2025-10-27.

Conditions:
Inborn genetic diseases. Identifiers: MedGen C0950123, MeSH D030342.
Osteopathia striata with cranial sclerosis (OSCS). Also called: HYPEROSTOSIS GENERALISATA WITH STRIATIONS. Identifiers: Orphanet 2780, MedGen C0432268, MONDO:0010310, OMIM 300373.
AMER1-related disorder. Also called: AMER1-related condition.

Submissions (6):

Labcorp Genetics (formerly Invitae), Labcorp
Classification: Pathogenic. Last evaluated: 2025-10-27. Review status: criteria provided, single submitter. Criteria: Invitae Variant Classification Sherloc (09022015). Collection method: clinical testing. Allele origin: germline.
Comment: This sequence change creates a premature translational stop signal (p.Arg358*) in the AMER1 gene. While this is not anticipated to result in nonsense mediated decay, it is expected to disrupt the last 778 amino acid(s) of the AMER1 protein. This variant is not present in population databases (gnomAD no frequency). This premature translational stop signal has been observed in individual(s) with osteopathia striata with cranial sclerosis (PMID: 19079258). In at least one individual the variant was observed to be de novo. ClinVar contains an entry for this variant (Variation ID: 10708). For these reasons, this variant has been classified as Pathogenic.

3billion
Classification: Pathogenic for Osteopathia striata with cranial sclerosis. Last evaluated: 2024-06-26. Review status: criteria provided, single submitter. Criteria: ACMG Guidelines, 2015. Collection method: clinical testing. Allele origin: germline. Affected: yes.
Comment: The variant is not observed in the gnomAD v4.0.0 dataset. Predicted Consequence/Location: Stop-gained (nonsense): predicted to result in a loss or disruption of normal protein function through protein truncation. The predicted truncated protein may be shortened by more than 10%. The variant has been previously reported as de novo in a similarly affected individual (PMID: 27631024). The variant has been observed in at least two similarly affected unrelated individuals (PMID: 19079258). The variant has been reported at least twice as pathogenic with clinical assertions and evidence for the classification (ClinVar ID: VCV000010708 /PMID: 19079258). Therefore, this variant is classified as Pathogenic according to the recommendation of ACMG/AMP guideline.

PreventionGenetics, part of Exact Sciences
Classification: Pathogenic for AMER1-related condition. Last evaluated: 2023-09-29. Review status: criteria provided, single submitter. Criteria: ACMG Guidelines, 2015. Collection method: clinical testing. Allele origin: germline.
Comment: The AMER1 c.1072C>T variant is predicted to result in premature protein termination (p.Arg358*). This variant has been reported as a recurrent and frequently de novo finding in individuals with osteopathia striata with cranial sclerosis (Jenkins et al. 2009. PubMed ID: 19079258; Perdu et al. 2010. PubMed ID: 20209645). This variant has not been reported in a large population database, indicating this variant is rare. Nonsense variants in AMER1 are expected to be pathogenic. This variant is interpreted as pathogenic.

GeneDx
Classification: Pathogenic. Last evaluated: 2021-11-30. Review status: criteria provided, single submitter. Criteria: GeneDx Variant Classification Process June 2021. Collection method: clinical testing. Allele origin: germline. Affected: yes.
Comment: Not observed at significant frequency in large population cohorts (gnomAD); Nonsense variant in the C-terminus predicted to result in protein truncation, as the last 778 amino acids are lost, and other loss-of-function variants have been reported downstream in the Human Gene Mutation Database; This variant is associated with the following publications: (PMID: 20950377, 30694527, 19079258, 20209645, 28497491, 28179590)

Ambry Genetics
Classification: Pathogenic for Inborn genetic diseases. Last evaluated: 2015-10-12. Review status: criteria provided, single submitter. Criteria: Ambry exome assertion method (8-5-2015). Collection method: clinical testing. Allele origin: germline. Affected: yes. Observed: 1 variant allele.

OMIM
Classification: Pathogenic for OSTEOPATHIA STRIATA WITH CRANIAL SCLEROSIS. Last evaluated: 2010-01-01. Review status: no assertion criteria provided. Collection method: literature only. Allele origin: unknown. Not counted in ClinVar's aggregate classification.

Literature cited by the submitters: PubMed 19079258 (cited by 3 submitters); PubMed 20209645 (cited by OMIM).